The following is an entry in ClinVar:

ClinVar aggregate classification (germline): Uncertain significance (1 of 4 stars; one submission).

Conditions:
Primary ciliary dyskinesia. Also called: Ciliary dyskinesia. Identifiers: Orphanet 244, MedGen C0008780, MONDO:0016575, HP:0012265.

Submission:

Labcorp Genetics (formerly Invitae), Labcorp
Classification: Uncertain significance for Primary ciliary dyskinesia. Last evaluated: 2022-08-23. Review status: criteria provided, single submitter. Criteria: Invitae Variant Classification Sherloc (09022015). Collection method: clinical testing. Allele origin: germline.
Comment: In summary, the available evidence is currently insufficient to determine the role of this variant in disease. Therefore, it has been classified as a Variant of Uncertain Significance. Algorithms developed to predict the effect of missense changes on protein structure and function (SIFT, PolyPhen-2, Align-GVGD) all suggest that this variant is likely to be tolerated. ClinVar contains an entry for this variant (Variation ID: 1463830). This variant has not been reported in the literature in individuals affected with DNAAF1-related conditions. This variant is not present in population databases (gnomAD no frequency). This sequence change replaces tyrosine, which is neutral and polar, with aspartic acid, which is acidic and polar, at codon 58 of the DNAAF1 protein (p.Tyr58Asp).

NM_178452.6(DNAAF1):c.172T>G (p.Tyr58Asp)

Gene: DNAAF1 (dynein axonemal assembly factor 1; plus strand). Cytogenetic location: 16q24.1.
Variant type: single nucleotide variant.
Coding change: c.172T>G on transcript NM_178452.6 (MANE Select); coding-DNA position 172, T replaced by G.
Protein change: p.Tyr58Asp; replaces tyrosine 58 with aspartic acid.
Molecular consequence: missense variant.
Genome position (GRCh38, 1-based): chr16:84,149,054, T>G. VCF-style: chr16-84149054-T-G. GRCh37 (hg19) VCF-style: chr16-84182659-T-G.
Other names: short protein forms Y58D.
Identifiers: ClinVar variation 1463830 (VCV001463830.8), dbSNP rs2151206382, ClinGen allele CA396939986.
Genomic context (GRCh38, chr16:84,149,054, plus strand): 5'-TTTTATTTTACAGAAATTAATGATCCTAAGGAAATATGTGTGGGTTCTTCTGACACATCC[T>G]ACCACAGCCAGCAGAAACAGAGTGGTGATAATGGGTCAGGTGGTCACTTCGCACACCCAA-3'
Protein context (NP_848547.4, residues 48-68): EICVGSSDTS[Tyr58Asp]HSQQKQSGDN